The following is an entry in ClinVar:

ClinVar aggregate classification (germline): Uncertain significance (1 of 4 stars; one submission).

Conditions:
Hereditary cancer-predisposing syndrome. Also called: Neoplastic Syndromes, Hereditary; Tumor predisposition; Hereditary neoplastic syndrome; Hereditary Cancer Syndrome. Identifiers: Orphanet 140162, MedGen C0027672, MeSH D009386, MONDO:0015356.

Allele frequency attached by ClinVar (database versions not stated): gnomAD exomes below 0.00001.
gnomAD v4.1: 1 of 1,613,950 alleles (0.000062%); highest among the groups gnomAD compares: Non-Finnish European, 0.000085%; no homozygotes.

Submission:

Ambry Genetics
Classification: Uncertain significance for Hereditary cancer-predisposing syndrome. Last evaluated: 2024-02-06. Review status: criteria provided, single submitter. Criteria: Ambry Variant Classification Scheme 2023. Collection method: clinical testing. Allele origin: germline.
Comment: The p.P432L variant (also known as c.1295C>T), located in coding exon 12 of the FANCC gene, results from a C to T substitution at nucleotide position 1295. The proline at codon 432 is replaced by leucine, an amino acid with similar properties. This amino acid position is highly conserved in available vertebrate species. In addition, this alteration is predicted to be deleterious by in silico analysis. Based on the available evidence, the clinical significance of this alteration remains unclear.

NM_000136.3(FANCC):c.1295C>T (p.Pro432Leu)

Genes: FANCC (FA complementation group C; minus strand), AOPEP (aminopeptidase O (putative); plus strand). Cytogenetic location: 9q22.32.
Variant type: single nucleotide variant.
Coding change: c.1295C>T on transcript NM_000136.3 (MANE Select); coding-DNA position 1295, C replaced by T.
Protein change: p.Pro432Leu; replaces proline 432 with leucine.
Molecular consequence: missense variant.
Genome position (GRCh38, 1-based): chr9:95,111,497, G>A on the plus strand (C>T on the coding strand, the complement: FANCC is on the minus strand). VCF-style: chr9-95111497-G-A. GRCh37 (hg19) VCF-style: chr9-97873779-G-A.
Other names: c.1295C>T, p.Pro432Leu (NM_001243743.2, NM_001243744.2); short protein forms P432L.
Identifiers: ClinVar variation 3230359 (VCV003230359.1), dbSNP rs2540883463, ClinGen allele CA374107285.